The following is an entry in ClinVar:

ClinVar aggregate classification (germline): Conflicting classifications of pathogenicity. Review status: criteria provided, conflicting classifications (1 of 4 stars). 2 submissions from 2 submitters: Likely pathogenic (1); Uncertain significance (1). Last evaluated 2024-03-11.

Conditions:
Inborn genetic diseases. Identifiers: MedGen C0950123, MeSH D030342.

Allele frequency attached by ClinVar (database versions not stated): gnomAD exomes below 0.00001.
gnomAD v4.1: 2 of 1,614,054 alleles (0.00012%); highest among the groups gnomAD compares: Non-Finnish European, 0.00017%; no homozygotes.

Submissions (2):

GeneDx
Classification: Likely pathogenic. Last evaluated: 2024-03-11. Review status: criteria provided, single submitter. Criteria: GeneDx Variant Classification Process June 2021. Collection method: clinical testing. Allele origin: germline. Affected: yes.
Comment: Not observed at significant frequency in large population cohorts (gnomAD); In silico analysis supports that this missense variant has a deleterious effect on protein structure/function; This variant is associated with the following publications: (PMID: 26818738, 25915598, 25420144, 25711872, 23424202, 26264464, 9738473, 28330790, 18203178)

Ambry Genetics
Classification: Uncertain significance for Inborn genetic diseases. Last evaluated: 2022-02-01. Review status: criteria provided, single submitter. Criteria: Ambry Variant Classification Scheme 2023. Collection method: clinical testing. Allele origin: germline.
Comment: The c.1705G>A (p.V569M) alteration is located in exon 9 (coding exon 9) of the KCNH1 gene. This alteration results from a G to A substitution at nucleotide position 1705, causing the valine (V) at amino acid position 569 to be replaced by a methionine (M). This variant was not reported in population-based cohorts in the Genome Aggregation Database (gnomAD). This amino acid position is highly conserved in available vertebrate species. The p.V569M amino acid is located in the cyclic nucleotide-binding domain of the KCNH1 protein. Based on internal structural analysis, p.V569M does not decrease the stability of the protein structure and there are no other pathogenic alterations nearby (Whicher, 2016). The in silico prediction for this alteration is inconclusive. Based on insufficient or conflicting evidence, the clinical significance of this alteration remains unclear.

Literature cited by the submitters: PubMed 27516594 (cited by Ambry Genetics).

NM_172362.3(KCNH1):c.1705G>A (p.Val569Met)

Gene: KCNH1 (potassium voltage-gated channel subfamily H member 1; minus strand). Cytogenetic location: 1q32.2.
Variant type: single nucleotide variant.
Coding change: c.1705G>A on transcript NM_172362.3 (MANE Select); coding-DNA position 1705, G replaced by A.
Protein change: p.Val569Met; replaces valine 569 with methionine.
Molecular consequence: missense variant.
Genome position (GRCh38, 1-based): chr1:210,797,718, C>T on the plus strand (G>A on the coding strand, the complement: KCNH1 is on the minus strand). VCF-style: chr1-210797718-C-T. GRCh37 (hg19) VCF-style: chr1-210971060-C-T.
Other names: c.1624G>A, p.Val542Met (NM_002238.4); short protein forms V569M, V542M.
Identifiers: ClinVar variation 520561 (VCV000520561.6), dbSNP rs1553344875, ClinGen allele CA344872793.